The following is an entry in ClinVar:

NM_001379029.1(CERT1):c.-171G>A

Genes: CERT1 (ceramide transporter 1; minus strand), POLK (DNA polymerase kappa; plus strand). Cytogenetic location: 5q13.3.
Variant type: single nucleotide variant.
Coding change: c.-171G>A on transcript NM_001379029.1 (MANE Select); 171 bases upstream of the start codon, G replaced by A.
Molecular consequence: 5 prime UTR variant. On other transcripts: missense variant (1).
Genome position (GRCh38, 1-based): chr5:75,511,378, C>T on the plus strand (G>A on the coding strand, the complement: CERT1 is on the minus strand). VCF-style: chr5-75511378-C-T. GRCh37 (hg19) VCF-style: chr5-74807203-C-T.
Other names: c.214G>A, p.Ala72Thr (NM_001130105.1); c.-171G>A (NM_001379002.1, NM_001379003.1, NM_001379004.1 and 2 more transcripts); short protein forms A72T.
Identifiers: ClinVar variation 2429059 (VCV002429059.4), dbSNP rs1176554102, ClinGen allele CA360140481.

ClinVar aggregate classification (germline): Uncertain significance (1 of 4 stars; one submission).

Allele frequency attached by ClinVar (database versions not stated): gnomAD exomes below 0.00001; TOPMed below 0.00001.
gnomAD v4.1: 1 of 1,546,568 alleles (0.000065%); highest among the groups gnomAD compares: Non-Finnish European, 0.000087%; no homozygotes.

Submission:

Greenwood Genetic Center Diagnostic Laboratories, Greenwood Genetic Center
Classification: Uncertain significance. Last evaluated: 2022-10-10. Review status: criteria provided, single submitter. Criteria: ACMG Guidelines, 2015. Collection method: clinical testing. Allele origin: germline. Affected: yes.
Comment: PM2